The following is an entry in ClinVar:

ClinVar aggregate classification (germline): Likely benign (1 of 4 stars; one submission).

Conditions:
Medulloblastoma (MDB). Also called: Medulloblastoma, somatic; MEDULLOBLASTOMA PREDISPOSITION SYNDROME. Identifiers: Orphanet 616, MedGen C0025149, MeSH D008527, MONDO:0007959, OMIM 155255, HP:0002885.

Allele frequency attached by ClinVar (database versions not stated): gnomAD exomes 0.00036; 1000 Genomes Project 0.00220; TOPMed 0.00238; gnomAD 0.00239 and 0.00249; 1000 Genomes Project 30x 0.00250.
gnomAD v4.1: 760 of 1,315,450 alleles (0.058%); highest among the groups gnomAD compares: African/African-American, 0.78%; 3 homozygotes.

Submission:

Illumina Laboratory Services, Illumina
Classification: Likely benign for Medulloblastoma. Last evaluated: 2018-01-13. Review status: criteria provided, single submitter. Criteria: ICSL Variant Classification Criteria 13 December 2019. Collection method: clinical testing. Allele origin: germline.
Comment: This variant was observed in the ICSL laboratory as part of a predisposition screen in an ostensibly healthy population. It had not been previously curated by ICSL or reported in the Human Gene Mutation Database (HGMD: prior to June 1st, 2018), and was therefore a candidate for classification through an automated scoring system. Utilizing variant allele frequency, disease prevalence and penetrance estimates, and inheritance mode, an automated score was calculated to assess if this variant is too frequent to cause the disease. Based on the score and internal cut-off values, a variant classified as likely benign is not then subjected to further curation. The score for this variant resulted in a classification of likely benign for this disease.

NM_016169.4(SUFU):c.*61G>A

Gene: SUFU (SUFU negative regulator of hedgehog signaling; plus strand). Cytogenetic location: 10q24.32.
Variant type: single nucleotide variant.
Coding change: c.*61G>A on transcript NM_016169.4 (MANE Select); 61 bases downstream of the stop codon, G replaced by A.
Molecular consequence: 3 prime UTR variant.
Genome position (GRCh38, 1-based): chr10:102,630,216, G>A. VCF-style: chr10-102630216-G-A. GRCh37 (hg19) VCF-style: chr10-104389973-G-A.
Identifiers: ClinVar variation 298575 (VCV000298575.5), dbSNP rs184505927, ClinGen allele CA10630811.